The following is an entry in ClinVar:

NM_001011.4(RPS7):c.133A>G (p.Ile45Val)

Gene: RPS7 (ribosomal protein S7; plus strand). Cytogenetic location: 2p25.3.
Variant type: single nucleotide variant.
Coding change: c.133A>G on transcript NM_001011.4 (MANE Select); coding-DNA position 133, A replaced by G.
Protein change: p.Ile45Val; replaces isoleucine 45 with valine.
Molecular consequence: missense variant.
Genome position (GRCh38, 1-based): chr2:3,575,874, A>G. VCF-style: chr2-3575874-A-G. GRCh37 (hg19) VCF-style: chr2-3623464-A-G.
Other names: short protein forms I45V.
Identifiers: ClinVar variation 962784 (VCV000962784.9), dbSNP rs1661264441, ClinGen allele CA345742802.

ClinVar aggregate classification (germline): Uncertain significance. Review status: criteria provided, multiple submitters, no conflicts (2 of 4 stars). 3 submissions from 3 submitters: Uncertain significance (3). Last evaluated 2026-09-01.

Conditions:
Diamond-Blackfan anemia 8 (DBA8). Also called: RPS7-Related Diamond-Blackfan Anemia. Identifiers: Orphanet 124, MedGen C2675511, MONDO:0012939, OMIM 612563.

Allele frequency attached by ClinVar (database versions not stated): gnomAD exomes below 0.00001.
gnomAD v4.1: 1 of 1,609,108 alleles (0.000062%); highest among the groups gnomAD compares: Non-Finnish European, 0.000085%; no homozygotes.

Submissions (3):

CeGaT Center for Human Genetics Tuebingen
Classification: Uncertain significance. Last evaluated: 2026-09-01. Review status: criteria provided, single submitter. Criteria: CeGaT Center For Human Genetics Tuebingen Variant Classification Criteria Version 2. Collection method: clinical testing. Allele origin: germline. Affected: yes. Observed: 1 variant allele.
Comment: RPS7: PM2

Labcorp Genetics (formerly Invitae), Labcorp
Classification: Uncertain significance for Diamond-Blackfan anemia 8. Last evaluated: 2023-10-19. Review status: criteria provided, single submitter. Criteria: Invitae Variant Classification Sherloc (09022015). Collection method: clinical testing. Allele origin: germline.
Comment: This sequence change replaces isoleucine, which is neutral and non-polar, with valine, which is neutral and non-polar, at codon 45 of the RPS7 protein (p.Ile45Val). This variant is not present in population databases (gnomAD no frequency). This variant has not been reported in the literature in individuals affected with RPS7-related conditions. ClinVar contains an entry for this variant (Variation ID: 962784). An algorithm developed to predict the effect of missense changes on protein structure and function (PolyPhen-2) suggests that this variant is likely to be tolerated. In summary, the available evidence is currently insufficient to determine the role of this variant in disease. Therefore, it has been classified as a Variant of Uncertain Significance.

Fulgent Genetics
Classification: Uncertain significance for Diamond-Blackfan anemia 8. Last evaluated: 2021-11-08. Review status: criteria provided, single submitter. Criteria: ACMG Guidelines, 2015. Collection method: clinical testing. Allele origin: unknown.